The following is an entry in ClinVar:

NM_000059.4(BRCA2):c.6867A>C (p.Leu2289Phe)

Gene: BRCA2 (BRCA2 DNA repair associated; plus strand). Cytogenetic location: 13q13.1.
Variant type: single nucleotide variant.
Coding change: c.6867A>C on transcript NM_000059.4 (MANE Select); coding-DNA position 6867, A replaced by C.
Protein change: p.Leu2289Phe; replaces leucine 2289 with phenylalanine.
Molecular consequence: missense variant. On other transcripts: non-coding transcript variant (1), intron variant (1).
Genome position (GRCh38, 1-based): chr13:32,344,583, A>C. VCF-style: chr13-32344583-A-C. GRCh37 (hg19) VCF-style: chr13-32918720-A-C.
Other names: c.6867A>C, p.Leu2289Phe (NM_001406720.1, NM_001432077.1); c.1935A>C, p.Leu645Phe (NM_001406721.1); c.450A>C, p.Leu150Phe (NM_001406722.1); c.6842-2244A>C (NM_001406719.1); short protein forms L150F, L2289F, L645F.
Identifiers: ClinVar variation 3825382 (VCV003825382.1).
Genomic context (GRCh38, chr13:32,344,583, plus strand): 5'-TGCCTTAAAAACATATATGAAATATTTCTTTTTAGGAGAACCCTCAATCAAAAGAAACTT[A>C]TTAAATGAATTTGACAGGATAATAGAAAATCAAGAAAAATCCTTAAAGGCTTCAAAAAGC-3'
Protein context (NP_000050.3, residues 2279-2299): LVGEPSIKRN[Leu2289Phe]LNEFDRIIEN

ClinVar aggregate classification (germline): Uncertain significance (1 of 4 stars; one submission).

Conditions:
Hereditary cancer-predisposing syndrome. Also called: Hereditary neoplastic syndrome; Neoplastic Syndromes, Hereditary; Tumor predisposition; Hereditary Cancer Syndrome. Identifiers: Orphanet 140162, MedGen C0027672, MeSH D009386, MONDO:0015356.

Submission:

Ambry Genetics
Classification: Uncertain significance for Hereditary cancer-predisposing syndrome. Last evaluated: 2024-12-16. Review status: criteria provided, single submitter. Criteria: Ambry Variant Classification Scheme 2023. Collection method: clinical testing. Allele origin: germline.
Comment: The p.L2289F variant (also known as c.6867A>C), located in coding exon 11 of the BRCA2 gene, results from an A to C substitution at nucleotide position 6867. The leucine at codon 2289 is replaced by phenylalanine, an amino acid with highly similar properties. This amino acid position is highly conserved in available vertebrate species. In addition, the in silico prediction for this alteration is inconclusive. Based on the available evidence, the clinical significance of this variant remains unclear.